The following is an entry in ClinVar:

NM_006035.4(CDC42BPB):c.1141-2A>G

Gene: CDC42BPB (CDC42 binding protein kinase beta; minus strand). Cytogenetic location: 14q32.32.
Variant type: single nucleotide variant.
Coding change: c.1141-2A>G on transcript NM_006035.4 (MANE Select); the canonical splice acceptor site of the intron before coding-DNA position 1141, A replaced by G.
Molecular consequence: splice acceptor variant.
Genome position (GRCh38, 1-based): chr14:102,978,207, T>C on the plus strand (A>G on the coding strand, the complement: CDC42BPB is on the minus strand). VCF-style: chr14-102978207-T-C. GRCh37 (hg19) VCF-style: chr14-103444544-T-C.
Other names: c.1141-2A>G (NM_001411054.1).
Identifiers: ClinVar variation 4992931 (VCV004992931.1).

ClinVar aggregate classification (germline): Likely pathogenic (1 of 4 stars; one submission).

Conditions:
CDC42BPB-related disorder.

Submission:

PreventionGenetics, part of Exact Sciences
Classification: Likely pathogenic for CDC42BPB-related condition. Last evaluated: 2026-09-25. Review status: criteria provided, single submitter. Criteria: ACMG Guidelines, 2015. Collection method: clinical testing. Allele origin: germline.
Comment: The CDC42BPB c.1141-2A>G variant is predicted to disrupt the AG splice acceptor site and interfere with normal splicing. To our knowledge, this variant has not been reported in the literature or in a large population database (gnomAD), indicating this variant is rare. Variants that disrupt the consensus splice acceptor site in CDC42BPB are expected to be pathogenic. This variant is interpreted as likely pathogenic.